The following is an entry in ClinVar:

NM_001283009.2(RTEL1):c.1395C>A (p.His465Gln)

Genes: RTEL1 (regulator of telomere elongation helicase 1; plus strand), RTEL1-TNFRSF6B (RTEL1-TNFRSF6B readthrough (NMD candidate); plus strand). Cytogenetic location: 20q13.33.
Variant type: single nucleotide variant.
Coding change: c.1395C>A on transcript NM_001283009.2 (MANE Select); coding-DNA position 1395, C replaced by A.
Protein change: p.His465Gln; replaces histidine 465 with glutamine.
Molecular consequence: missense variant. On other transcripts: non-coding transcript variant (1).
Genome position (GRCh38, 1-based): chr20:63,687,684, C>A. VCF-style: chr20-63687684-C-A. GRCh37 (hg19) VCF-style: chr20-62319037-C-A.
Other names: c.726C>A, p.His242Gln (NM_001283010.1); c.1395C>A, p.His465Gln (NM_016434.4); c.1467C>A, p.His489Gln (NM_032957.5); short protein forms H242Q, H465Q, H489Q.
Identifiers: ClinVar variation 2424901 (VCV002424901.8), dbSNP rs376423914, ClinGen allele CA409676249.

ClinVar aggregate classification (germline): Uncertain significance. Review status: criteria provided, multiple submitters, no conflicts (2 of 4 stars). 2 submissions from 2 submitters: Uncertain significance (2). Last evaluated 2024-12-26.

Conditions:
Dyskeratosis congenita, autosomal recessive 5 (DKCB5). Identifiers: MedGen C3554656, MONDO:0014076, OMIM 615190.
Pulmonary fibrosis and/or bone marrow failure, Telomere-related, 3. Also called: PULMONARY FIBROSIS AND/OR BONE MARROW FAILURE SYNDROME, TELOMERE-RELATED, 3. Identifiers: Orphanet 2032, MedGen C4225346, MONDO:0014613, OMIM 616373.
Inborn genetic diseases. Identifiers: MedGen C0950123, MeSH D030342.

Submissions (2):

Ambry Genetics
Classification: Uncertain significance for Inborn genetic diseases. Last evaluated: 2024-12-26. Review status: criteria provided, single submitter. Criteria: Ambry Variant Classification Scheme 2023. Collection method: clinical testing. Allele origin: germline.
Comment: The p.H465Q variant (also known as c.1395C>A), located in coding exon 16 of the RTEL1 gene, results from a C to A substitution at nucleotide position 1395. The histidine at codon 465 is replaced by glutamine, an amino acid with highly similar properties. This amino acid position is conserved. In addition, this alteration is predicted to be tolerated by in silico analysis. Based on the available evidence, the clinical significance of this variant remains unclear.

Labcorp Genetics (formerly Invitae), Labcorp
Classification: Uncertain significance for Dyskeratosis congenita, autosomal recessive 5; Pulmonary fibrosis and/or bone marrow failure, Telomere-related, 3. Last evaluated: 2022-09-30. Review status: criteria provided, single submitter. Criteria: Invitae Variant Classification Sherloc (09022015). Collection method: clinical testing. Allele origin: germline.
Comment: This sequence change replaces histidine, which is basic and polar, with glutamine, which is neutral and polar, at codon 465 of the RTEL1 protein (p.His465Gln). This variant is not present in population databases (gnomAD no frequency). This variant has not been reported in the literature in individuals affected with RTEL1-related conditions. Algorithms developed to predict the effect of missense changes on protein structure and function output the following: SIFT: "Tolerated"; PolyPhen-2: "Benign"; Align-GVGD: "Class C0". The glutamine amino acid residue is found in multiple mammalian species, which suggests that this missense change does not adversely affect protein function. In summary, the available evidence is currently insufficient to determine the role of this variant in disease. Therefore, it has been classified as a Variant of Uncertain Significance.